The following is an entry in ClinVar:

ClinVar aggregate classification (germline): Likely benign (1 of 4 stars; one submission).

Conditions:
CLPB-related disorder. Also called: CLPB-related condition.

gnomAD v4.1: 32 of 1,535,456 alleles (0.0021%); highest among the groups gnomAD compares: Non-Finnish European, 0.0028%; no homozygotes.

Submission:

PreventionGenetics, part of Exact Sciences
Classification: Likely benign for CLPB-related condition. Last evaluated: 2026-09-03. Review status: criteria provided, single submitter. Criteria: ACMG Guidelines, 2015. Collection method: clinical testing. Allele origin: germline.
Comment: This variant is classified as likely benign based on ACMG/AMP sequence variant interpretation guidelines (Richards et al. 2015 PMID: 25741868, with internal and published modifications).

NM_001258392.3(CLPB):c.456-5135G>A

Gene: CLPB (ClpB family mitochondrial disaggregase; minus strand). Cytogenetic location: 11q13.4.
Variant type: single nucleotide variant.
Coding change: c.456-5135G>A on transcript NM_001258392.3 (MANE Select); 5135 bases into the intron before coding-DNA position 456, G replaced by A.
Molecular consequence: intron variant. On other transcripts: synonymous variant (1).
Genome position (GRCh38, 1-based): chr11:72,408,187, C>T on the plus strand (G>A on the coding strand, the complement: CLPB is on the minus strand). VCF-style: chr11-72408187-C-T. GRCh37 (hg19) VCF-style: chr11-72119231-C-T.
Other names: c.231G>A, p.Lys77= (NM_001258394.3); c.455+22125G>A (NM_001258393.3); c.456-5135G>A (NM_030813.6).
Identifiers: ClinVar variation 4987241 (VCV004987241.1).